The following is an entry in ClinVar:

NM_000329.3(RPE65):c.743A>G (p.Asn248Ser)

Gene: RPE65 (retinoid isomerohydrolase RPE65; minus strand). Cytogenetic location: 1p31.3.
Variant type: single nucleotide variant.
Coding change: c.743A>G on transcript NM_000329.3 (MANE Select); coding-DNA position 743, A replaced by G.
Protein change: p.Asn248Ser; replaces asparagine 248 with serine.
Molecular consequence: missense variant.
Genome position (GRCh38, 1-based): chr1:68,439,306, T>C on the plus strand (A>G on the coding strand, the complement: RPE65 is on the minus strand). VCF-style: chr1-68439306-T-C. GRCh37 (hg19) VCF-style: chr1-68904989-T-C.
Other names: short protein forms N248S.
Identifiers: ClinVar variation 960875 (VCV000960875.8), dbSNP rs758264644, ClinGen allele CA902405.

ClinVar aggregate classification (germline): Uncertain significance. Review status: criteria provided, single submitter (1 of 4 stars). 2 submissions from 2 submitters: Uncertain significance (1). 1 of the submissions does not count toward it. Last evaluated 2022-07-06.

Conditions:
Retinitis pigmentosa 20 (RP20). Identifiers: Orphanet 791, MedGen C3151086, MONDO:0013425, OMIM 613794.
Leber congenital amaurosis 2 (LCA2). Also called: AMAUROSIS CONGENITA OF LEBER II; Autosomal Recessive RPE65-Related Retinal Degeneration. Identifiers: Orphanet 65, MedGen C1859844, MONDO:0008765, OMIM 204100. Disease mechanism: loss of function.
Leber congenital amaurosis (LCA). Also called: Leber's amaurosis. Identifiers: Orphanet 65, MedGen C0339527, MeSH D057130, MONDO:0018998.

Allele frequency attached by ClinVar (database versions not stated): TOPMed below 0.00001; gnomAD 0.00001; gnomAD exomes 0.00001 and 0.00002; ExAC 0.00004.

Submissions (2):

Labcorp Genetics (formerly Invitae), Labcorp
Classification: Uncertain significance for Leber congenital amaurosis 2; Retinitis pigmentosa 20. Last evaluated: 2022-07-06. Review status: criteria provided, single submitter. Criteria: Invitae Variant Classification Sherloc (09022015). Collection method: clinical testing. Allele origin: germline.
Comment: This sequence change replaces asparagine, which is neutral and polar, with serine, which is neutral and polar, at codon 248 of the RPE65 protein (p.Asn248Ser). This variant is present in population databases (rs758264644, gnomAD 0.01%). This variant has not been reported in the literature in individuals affected with RPE65-related conditions. ClinVar contains an entry for this variant (Variation ID: 960875). Algorithms developed to predict the effect of missense changes on protein structure and function are either unavailable or do not agree on the potential impact of this missense change (SIFT: "Deleterious"; PolyPhen-2: "Probably Damaging"; Align-GVGD: "Class C0"). Algorithms developed to predict the effect of sequence changes on RNA splicing suggest that this variant may create or strengthen a splice site. In summary, the available evidence is currently insufficient to determine the role of this variant in disease. Therefore, it has been classified as a Variant of Uncertain Significance.

Natera, Inc.
Classification: Uncertain significance for Leber congenital amaurosis. Last evaluated: 2020-01-15. Review status: no assertion criteria provided. Collection method: clinical testing. Allele origin: germline. Not counted in ClinVar's aggregate classification.